The following is an entry in ClinVar:

NM_000035.4(ALDOB):c.469C>T (p.Gln157Ter)

Gene: ALDOB (aldolase, fructose-bisphosphate B; minus strand). Cytogenetic location: 9q31.1.
Variant type: single nucleotide variant.
Coding change: c.469C>T on transcript NM_000035.4 (MANE Select); coding-DNA position 469, C replaced by T.
Protein change: p.Gln157Ter; replaces glutamine 157 with a stop codon.
Molecular consequence: nonsense.
Genome position (GRCh38, 1-based): chr9:101,427,553, G>A on the plus strand (C>T on the coding strand, the complement: ALDOB is on the minus strand). VCF-style: chr9-101427553-G-A. GRCh37 (hg19) VCF-style: chr9-104189835-G-A.
Other names: c.469C>T (NM_000035.3); short protein forms Q157*.
Identifiers: ClinVar variation 1065851 (VCV001065851.9), dbSNP rs1831149748, ClinGen allele CA374265305.
Genomic context (GRCh38, chr9:101,427,553, plus strand): 5'-TGCTGGCGTAGCGAGCCAGGGCGTTGGCGTTTTCCTGGATAGCGAGGCTGGATGGACACT[G>A]GTCGGCAATCCTCAGCACAGCACGCCACTTCCCAAAGTCAACACCATCTTTCTTGTACTG-3'

ClinVar aggregate classification (germline): Pathogenic/Likely pathogenic. Review status: criteria provided, multiple submitters, no conflicts (2 of 4 stars). 5 submissions from 5 submitters: Pathogenic (2); Likely pathogenic (2). 1 of the submissions does not count toward it. Last evaluated 2025-10-09.

Conditions:
Hereditary fructosuria. Also called: ALDOB DEFICIENCY; ALDOLASE B DEFICIENCY; FRUCTOSE-1,6-BISPHOSPHATE ALDOLASE B DEFICIENCY; FRUCTOSE-1-PHOSPHATE ALDOLASE DEFICIENCY; FRUCTOSEMIA; Fructose intolerance. Identifiers: Orphanet 469, MedGen C0016751, MONDO:0009249, OMIM 229600, HP:0005973. Disease mechanism: loss of function.

Submissions (5):

Labcorp Genetics (formerly Invitae), Labcorp
Classification: Pathogenic for Hereditary fructosuria. Last evaluated: 2025-10-09. Review status: criteria provided, single submitter. Criteria: Invitae Variant Classification Sherloc (09022015). Collection method: clinical testing. Allele origin: germline.
Comment: This sequence change creates a premature translational stop signal (p.Gln157*) in the ALDOB gene. It is expected to result in an absent or disrupted protein product. Loss-of-function variants in ALDOB are known to be pathogenic (PMID: 18541450). This variant is not present in population databases (gnomAD no frequency). This variant has not been reported in the literature in individuals affected with ALDOB-related conditions. ClinVar contains an entry for this variant (Variation ID: 1065851). For these reasons, this variant has been classified as Pathogenic.

Natera, Inc.
Classification: Likely pathogenic for Fructose intolerance. Last evaluated: 2024-11-01. Review status: criteria provided, single submitter. Criteria: Natera Variant Classification Schema (03/2026). Collection method: clinical testing. Allele origin: germline.
Comment: The c.469C>T variant in ALDOB is a nonsense variant predicted to introduce a stop codon at amino acid 157. This variant is expected to result in nonsense mediated decay, truncation, or a dysfunctional protein product. This variant is rare in the general population with a frequency below the threshold expected for the associated phenotype(s). Given the available evidence, this variant is classified as Likely Pathogenic.

Fulgent Genetics
Classification: Likely pathogenic for Hereditary fructosuria. Last evaluated: 2024-04-17. Review status: criteria provided, single submitter. Criteria: ACMG Guidelines, 2015. Collection method: clinical testing. Allele origin: germline.

Baylor Genetics
Classification: Pathogenic for Hereditary fructosuria. Last evaluated: 2023-08-26. Review status: criteria provided, single submitter. Criteria: ACMG Guidelines, 2015. Collection method: clinical testing. Allele origin: unknown.

ATS em Genética Clínica, Universidade Federal do Rio Grande do Sul
Classification: Likely pathogenic for Hereditary fructosuria. Last evaluated: 2021-03-18. Review status: no assertion criteria provided. Collection method: literature only. Allele origin: unknown. Affected: yes. Not counted in ClinVar's aggregate classification.

Literature cited by the submitters: PubMed 18541450 (cited by Labcorp Genetics (formerly Invitae), Labcorp); PubMed 29754767 (cited by ATS em Genética Clínica, Universidade Federal do Rio Grande do Sul).